The following is an entry in ClinVar:

NM_001103.4(ACTN2):c.2455A>T (p.Thr819Ser)

Gene: ACTN2 (actinin alpha 2; plus strand). Cytogenetic location: 1q43.
Variant type: single nucleotide variant.
Coding change: c.2455A>T on transcript NM_001103.4 (MANE Select); coding-DNA position 2455, A replaced by T.
Protein change: p.Thr819Ser; replaces threonine 819 with serine.
Molecular consequence: missense variant. On other transcripts: non-coding transcript variant (1).
Genome position (GRCh38, 1-based): chr1:236,761,102, A>T. VCF-style: chr1-236761102-A-T. GRCh37 (hg19) VCF-style: chr1-236924402-A-T.
Other names: c.2455A>T, p.Thr819Ser (NM_001278343.2); short protein forms T819S.
Identifiers: ClinVar variation 3345229 (VCV003345229.3).

ClinVar aggregate classification (germline): Uncertain significance. Review status: criteria provided, multiple submitters, no conflicts (2 of 4 stars). 2 submissions from 2 submitters: Uncertain significance (2). Last evaluated 2025-12-13.

Conditions:
ACTN2-related disorder. Also called: ACTN2 related condition; ACTN2-related disorders.
Dilated cardiomyopathy 1AA (CMD1AA). Also called: Cardiomyopathy, dilated, 1AA, with or without LVNC; CARDIOMYOPATHY, DILATED, 1AA, WITH OR WITHOUT LEFT VENTRICULAR NONCOMPACTION; CARDIOMYOPATHY, FAMILIAL HYPERTROPHIC, 23, WITH OR WITHOUT LEFT VENTRICULAR NONCOMPACTION. Identifiers: Orphanet 154, MedGen C2677338, MONDO:0012808, OMIM 612158.
Primary familial hypertrophic cardiomyopathy (HCM). Identifiers: Orphanet 99739, MedGen C0949658, MeSH D024741, MONDO:0024573. Inheritance: Various modes of inheritance.

gnomAD v4.1: 1 of 1,613,954 alleles (0.000062%); highest among the groups gnomAD compares: African/African-American, 0.0013%; no homozygotes.

Submissions (2):

Labcorp Genetics (formerly Invitae), Labcorp
Classification: Uncertain significance for Primary familial hypertrophic cardiomyopathy; Dilated cardiomyopathy 1AA. Last evaluated: 2025-12-13. Review status: criteria provided, single submitter. Criteria: Invitae Variant Classification Sherloc (09022015). Collection method: clinical testing. Allele origin: germline.
Comment: This sequence change replaces threonine, which is neutral and polar, with serine, which is neutral and polar, at codon 819 of the ACTN2 protein (p.Thr819Ser). This variant is not present in population databases (gnomAD no frequency). This variant has not been reported in the literature in individuals affected with ACTN2-related conditions. ClinVar contains an entry for this variant (Variation ID: 3345229). Invitae Evidence Modeling of protein sequence and biophysical properties (such as structural, functional, and spatial information, amino acid conservation, physicochemical variation, residue mobility, and thermodynamic stability) indicates that this missense variant is not expected to disrupt ACTN2 protein function with a negative predictive value of 95%. In summary, the available evidence is currently insufficient to determine the role of this variant in disease. Therefore, it has been classified as a Variant of Uncertain Significance.

PreventionGenetics, part of Exact Sciences
Classification: Uncertain significance for ACTN2-related condition. Last evaluated: 2025-08-06. Review status: criteria provided, single submitter. Criteria: ACMG Guidelines, 2015. Collection method: clinical testing. Allele origin: germline.
Comment: The ACTN2 c.2455A>T variant is predicted to result in the amino acid substitution p.Thr819Ser. To our knowledge, this variant has not been reported in the literature or in a large population database (gnomAD), indicating this variant is rare. At this time, the clinical significance of this variant is uncertain due to the absence of conclusive functional and genetic evidence.